The following is an entry in ClinVar:

ClinVar aggregate classification (germline): Pathogenic (1 of 4 stars; one submission).

Conditions:
Peroxisome biogenesis disorder. Identifiers: Orphanet 79189, MedGen C1832200, MONDO:0019234. Disease mechanism: loss of function.

Submission:

Myriad Genetics, Inc.
Classification: Pathogenic for Peroxisome biogenesis disorder. Last evaluated: 2026-01-08. Review status: criteria provided, single submitter. Criteria: Myriad Autosomal Dominant, Autosomal Recessive and X-Linked Classification Criteria (2023). Collection method: clinical testing. Allele origin: unknown.
Comment: NM_000286.2(PEX12):c.301C>T(Q101*) is a nonsense variant classified as pathogenic in the context of peroxisome biogenesis disorder type 3. Q101* has not been observed in cases with relevant disease. Relevant functional assessments of this variant are not available in the literature. Q101* has not been observed in referenced population frequency databases. In summary, NM_000286.2(PEX12):c.301C>T(Q101*) is a nonsense variant in a gene where loss of function is a known mechanism of disease and is predicted to disrupt protein function. Please note: this variant was assessed in the context of healthy population screening.

NM_000286.3(PEX12):c.301C>T (p.Gln101Ter)

Gene: PEX12 (peroxisomal biogenesis factor 12; minus strand). Cytogenetic location: 17q12.
Variant type: single nucleotide variant.
Coding change: c.301C>T on transcript NM_000286.3 (MANE Select); coding-DNA position 301, C replaced by T.
Protein change: p.Gln101Ter; replaces glutamine 101 with a stop codon.
Molecular consequence: nonsense.
Genome position (GRCh38, 1-based): chr17:35,577,417, G>A on the plus strand (C>T on the coding strand, the complement: PEX12 is on the minus strand). VCF-style: chr17-35577417-G-A. GRCh37 (hg19) VCF-style: chr17-33904436-G-A.
Other names: short protein forms Q101*.
Identifiers: ClinVar variation 5004374 (VCV005004374.1).
Genomic context (GRCh38, chr17:35,577,417, plus strand): 5'-CCAGGAACATAATAGATTTCCAAAGCTGCTGCTTTGGGAGACCAGCACTAGCCAATCTCT[G>A]AGACTTGTGAGTGTCCCCCATTACAATTCTCTTTAAGCCGTAAAAGTTTTCAGAAAATGA-3'